The following is an entry in ClinVar:

ClinVar aggregate classification (germline): Uncertain significance (1 of 4 stars; one submission).

Conditions:
Combined immunodeficiency due to ZAP70 deficiency (IMD48). Also called: Immunodeficiency 48; ZAP70 Deficiency. Identifiers: Orphanet 911, MedGen C2931299, MONDO:0010023, OMIM 269840.

Allele frequency attached by ClinVar (database versions not stated): ExAC 0.00004; TOPMed 0.00002; 1000 Genomes Project 0.00020; gnomAD 0.00004; gnomAD exomes 0.00004 and 0.00003; 1000 Genomes Project 30x 0.00016; ESP Exome Variant Server 0.00008.
gnomAD v4.1: 45 of 1,614,226 alleles (0.0028%); highest among the groups gnomAD compares: South Asian, 0.022%; no homozygotes.

Submission:

Labcorp Genetics (formerly Invitae), Labcorp
Classification: Uncertain significance for Combined immunodeficiency due to ZAP70 deficiency. Last evaluated: 2022-08-15. Review status: criteria provided, single submitter. Criteria: Invitae Variant Classification Sherloc (09022015). Collection method: clinical testing. Allele origin: germline.
Comment: This sequence change replaces leucine, which is neutral and non-polar, with phenylalanine, which is neutral and non-polar, at codon 325 of the ZAP70 protein (p.Leu325Phe). This variant is present in population databases (rs200511463, gnomAD 0.02%). This variant has not been reported in the literature in individuals affected with ZAP70-related conditions. ClinVar contains an entry for this variant (Variation ID: 640017). Algorithms developed to predict the effect of missense changes on protein structure and function are either unavailable or do not agree on the potential impact of this missense change (SIFT: "Not Available"; PolyPhen-2: "Probably Damaging"; Align-GVGD: "Not Available"). In summary, the available evidence is currently insufficient to determine the role of this variant in disease. Therefore, it has been classified as a Variant of Uncertain Significance.

NM_001079.4(ZAP70):c.973C>T (p.Leu325Phe)

Gene: ZAP70 (zeta chain of T cell receptor associated protein kinase 70; plus strand). Cytogenetic location: 2q11.2.
Variant type: single nucleotide variant.
Coding change: c.973C>T on transcript NM_001079.4 (MANE Select); coding-DNA position 973, C replaced by T.
Protein change: p.Leu325Phe; replaces leucine 325 with phenylalanine.
Molecular consequence: missense variant.
Genome position (GRCh38, 1-based): chr2:97,734,603, C>T. VCF-style: chr2-97734603-C-T. GRCh37 (hg19) VCF-style: chr2-98351066-C-T.
Other names: c.973C>T, p.Leu325Phe (NM_001378594.1); c.52C>T, p.Leu18Phe (NM_207519.2); short protein forms L325F, L18F.
Identifiers: ClinVar variation 640017 (VCV000640017.8), dbSNP rs200511463, ClinGen allele CA1790335.